The following is an entry in ClinVar:

ClinVar aggregate classification (germline): Uncertain significance (1 of 4 stars; one submission).

Conditions:
Osteogenesis imperfecta, type 18. Also called: OSTEOGENESIS IMPERFECTA, TYPE XVIII. Identifiers: MedGen C4693736, MONDO:0044329, OMIM 617952.

Submission:

Foundation for Research in Genetics and Endocrinology, FRIGE's Institute of Human Genetics
Classification: Uncertain significance for Osteogenesis imperfecta, type 18. Last evaluated: 2023-01-30. Review status: criteria provided, single submitter. Criteria: ACMG Guidelines, 2015. Collection method: clinical testing. Allele origin: germline. Inheritance: Autosomal recessive inheritance. Affected: yes. Observed: 1 homozygote.
Comment: A homozygous missense variation in exon 2 of the TENT5A gene that results in the amino acid substitution of Cysteine for Tryptophan at codon 68 (p.Trp68Cys) was detected. This variant has not been reported in the 1000 genomes and gnomAD databases. The in silico predictions of the variant are probably damaging by PolyPhen-2 (HumDiv) and damaging by SIFT, LRT and MutationTaster2. The reference codon is conserved across species. In summary, the variant meets our criteria to be classified as a variant of uncertain significance.

NM_017633.3(TENT5A):c.204G>T (p.Trp68Cys)

Gene: TENT5A (terminal nucleotidyltransferase 5A; minus strand). Cytogenetic location: 6q14.1.
Variant type: single nucleotide variant.
Coding change: c.204G>T on transcript NM_017633.3 (MANE Select); coding-DNA position 204, G replaced by T.
Protein change: p.Trp68Cys; replaces tryptophan 68 with cysteine.
Molecular consequence: missense variant.
Genome position (GRCh38, 1-based): chr6:81,751,938, C>A on the plus strand (G>T on the coding strand, the complement: TENT5A is on the minus strand). VCF-style: chr6-81751938-C-A. GRCh37 (hg19) VCF-style: chr6-82461655-C-A.
Other names: p.Trp68Cys; short protein forms W68C.
Identifiers: ClinVar variation 2412817 (VCV002412817.5), dbSNP rs2481783085, ClinGen allele CA365034429.
Genomic context (GRCh38, chr6:81,751,938, plus strand): 5'-GCCGCGCCCGTGAATCGGAATGGTCTCGCTCAGGATGCCGTCCAGCCGCTGCACTTGCTC[C>A]CAGTTCAGCACATTGCAGTGCGCCGTAGGGCTTTCGCAATAGTCCAAGCAATGCCCACCG-3'
Protein context (NP_060103.2, residues 58-78): SPTAHCNVLN[Trp68Cys]EQVQRLDGIL